The following is an entry in ClinVar:

NM_032776.3(JMJD1C):c.2814T>G (p.Ile938Met)

Gene: JMJD1C (jumonji domain containing 1C; minus strand). Cytogenetic location: 10q21.3.
Variant type: single nucleotide variant.
Coding change: c.2814T>G on transcript NM_032776.3 (MANE Select); coding-DNA position 2814, T replaced by G.
Protein change: p.Ile938Met; replaces isoleucine 938 with methionine.
Molecular consequence: missense variant. On other transcripts: non-coding transcript variant (1).
Genome position (GRCh38, 1-based): chr10:63,209,116, A>C on the plus strand (T>G on the coding strand, the complement: JMJD1C is on the minus strand). VCF-style: chr10-63209116-A-C. GRCh37 (hg19) VCF-style: chr10-64968876-A-C.
Other names: c.2814T>G (NM_032776.1); c.2268T>G, p.Ile756Met (NM_001282948.2, NM_001318154.2); c.1950T>G, p.Ile650Met (NM_001318153.2); c.2700T>G, p.Ile900Met (NM_001322252.2); c.2157T>G, p.Ile719Met (NM_001322254.2, NM_001322258.2); short protein forms I938M, I900M, I650M, I719M, I756M.
Identifiers: ClinVar variation 2177281 (VCV002177281.5), dbSNP rs993882922, ClinGen allele CA208372810.

ClinVar aggregate classification (germline): Uncertain significance. Review status: criteria provided, multiple submitters, no conflicts (2 of 4 stars). 2 submissions from 2 submitters: Uncertain significance (2). Last evaluated 2025-07-10.

Conditions:
Early Myoclonic Encephalopathy. Identifiers: MedGen C0270855.

Allele frequency attached by ClinVar (database versions not stated): gnomAD exomes 0.00001; TOPMed below 0.00001; gnomAD 0.00001.
gnomAD v4.1: 7 of 1,613,912 alleles (0.00043%); highest among the groups gnomAD compares: Non-Finnish European, 0.00059%; no homozygotes.

Submissions (2):

Labcorp Genetics (formerly Invitae), Labcorp
Classification: Uncertain significance for Early Myoclonic Encephalopathy. Last evaluated: 2025-07-10. Review status: criteria provided, single submitter. Criteria: Invitae Variant Classification Sherloc (09022015). Collection method: clinical testing. Allele origin: germline.
Comment: This sequence change replaces isoleucine, which is neutral and non-polar, with methionine, which is neutral and non-polar, at codon 938 of the JMJD1C protein (p.Ile938Met). This variant is present in population databases (no rsID available, gnomAD 0.002%). This variant has not been reported in the literature in individuals affected with JMJD1C-related conditions. ClinVar contains an entry for this variant (Variation ID: 2177281). Invitae Evidence Modeling of protein sequence and biophysical properties (such as structural, functional, and spatial information, amino acid conservation, physicochemical variation, residue mobility, and thermodynamic stability) indicates that this missense variant is not expected to disrupt JMJD1C protein function with a negative predictive value of 80%. In summary, the available evidence is currently insufficient to determine the role of this variant in disease. Therefore, it has been classified as a Variant of Uncertain Significance.

Ambry Genetics
Classification: Uncertain significance. Last evaluated: 2023-09-22. Review status: criteria provided, single submitter. Criteria: Ambry Variant Classification Scheme 2023. Collection method: clinical testing. Allele origin: germline.